The following is an entry in ClinVar:

ClinVar aggregate classification (germline): Likely benign (1 of 4 stars; one submission).

Conditions:
OTOGL-related disorder. Also called: OTOGL-related condition.

gnomAD v4.1: 39 of 1,497,946 alleles (0.0026%); highest among the groups gnomAD compares: Non-Finnish European, 0.0035%; no homozygotes.

Submission:

PreventionGenetics, part of Exact Sciences
Classification: Likely benign for OTOGL-related condition. Last evaluated: 2025-02-19. Review status: criteria provided, single submitter. Criteria: ACMG Guidelines, 2015. Collection method: clinical testing. Allele origin: germline.
Comment: This variant is classified as likely benign based on ACMG/AMP sequence variant interpretation guidelines (Richards et al. 2015 PMID: 25741868, with internal and published modifications).

NM_001378609.3(OTOGL):c.6255A>G (p.Pro2085=)

Gene: OTOGL (otogelin like; plus strand). Cytogenetic location: 12q21.31.
Variant type: single nucleotide variant.
Coding change: c.6255A>G on transcript NM_001378609.3 (MANE Select); coding-DNA position 6255, A replaced by G.
Protein change: p.Pro2085=; no amino-acid change (proline 2085 retained).
Molecular consequence: synonymous variant.
Genome position (GRCh38, 1-based): chr12:80,358,888, A>G. VCF-style: chr12-80358888-A-G. GRCh37 (hg19) VCF-style: chr12-80752668-A-G.
Other names: c.6120A>G, p.Pro2040= (NM_001368062.3); c.6255A>G, p.Pro2085= (NM_001378610.3, NM_173591.7).
Identifiers: ClinVar variation 4980708 (VCV004980708.1).